The following is an entry in ClinVar:

NM_005458.8(GABBR2):c.1119G>T (p.Met373Ile)

Gene: GABBR2 (gamma-aminobutyric acid type B receptor subunit 2; minus strand). Cytogenetic location: 9q22.33.
Variant type: single nucleotide variant.
Coding change: c.1119G>T on transcript NM_005458.8 (MANE Select); coding-DNA position 1119, G replaced by T.
Protein change: p.Met373Ile; replaces methionine 373 with isoleucine.
Molecular consequence: missense variant.
Genome position (GRCh38, 1-based): chr9:98,454,098, C>A on the plus strand (G>T on the coding strand, the complement: GABBR2 is on the minus strand). VCF-style: chr9-98454098-C-A. GRCh37 (hg19) VCF-style: chr9-101216380-C-A.
Other names: short protein forms M373I.
Identifiers: ClinVar variation 2758322 (VCV002758322.3), dbSNP rs1345005981, ClinGen allele CA374350543.
Genomic context (GRCh38, chr9:98,454,098, plus strand): 5'-GTGGTCCGTGTAGTTGAAGTCCTGGATCCGCTGGTGCCGGCTGCTGGCATGCAGTGTCTC[C>A]ATGGCCCTCTGCAGTGTCTTGGCGATGACCCAGATGCCATCGTAGGCGTACCCGTGGAAC-3'
Protein context (NP_005449.5, residues 363-383): WVIAKTLQRA[Met373Ile]ETLHASSRHQ

ClinVar aggregate classification (germline): Uncertain significance (1 of 4 stars; one submission).

Conditions:
Epileptic encephalopathy. Identifiers: MedGen C0543888, HP:0200134.

Allele frequency attached by ClinVar (database versions not stated): gnomAD exomes below 0.00001.
gnomAD v4.1: 1 of 1,614,010 alleles (0.000062%); highest among the groups gnomAD compares: Admixed American, 0.0017%; no homozygotes.

Submission:

Labcorp Genetics (formerly Invitae), Labcorp
Classification: Uncertain significance for Epileptic encephalopathy. Last evaluated: 2025-05-17. Review status: criteria provided, single submitter. Criteria: Invitae Variant Classification Sherloc (09022015). Collection method: clinical testing. Allele origin: germline.
Comment: This sequence change replaces methionine, which is neutral and non-polar, with isoleucine, which is neutral and non-polar, at codon 373 of the GABBR2 protein (p.Met373Ile). This variant is present in population databases (no rsID available, gnomAD 0.003%). This variant has not been reported in the literature in individuals affected with GABBR2-related conditions. ClinVar contains an entry for this variant (Variation ID: 2758322). Invitae Evidence Modeling of protein sequence and biophysical properties (such as structural, functional, and spatial information, amino acid conservation, physicochemical variation, residue mobility, and thermodynamic stability) indicates that this missense variant is not expected to disrupt GABBR2 protein function with a negative predictive value of 80%. In summary, the available evidence is currently insufficient to determine the role of this variant in disease. Therefore, it has been classified as a Variant of Uncertain Significance.